The following is an entry in ClinVar:

NM_198578.4(LRRK2):c.6187C>T (p.Leu2063Phe)

Gene: LRRK2 (leucine rich repeat kinase 2; plus strand). Cytogenetic location: 12q12.
Variant type: single nucleotide variant.
Coding change: c.6187C>T on transcript NM_198578.4 (MANE Select); coding-DNA position 6187, C replaced by T.
Protein change: p.Leu2063Phe; replaces leucine 2063 with phenylalanine.
Molecular consequence: missense variant.
Genome position (GRCh38, 1-based): chr12:40,346,830, C>T. VCF-style: chr12-40346830-C-T. GRCh37 (hg19) VCF-style: chr12-40740632-C-T.
Other names: short protein forms L2063F.
Identifiers: ClinVar variation 2567324 (VCV002567324.2), dbSNP rs1028678558, ClinGen allele CA235338764.

ClinVar aggregate classification (germline): Uncertain significance (1 of 4 stars; one submission).

Conditions:
Inborn genetic diseases. Identifiers: MedGen C0950123, MeSH D030342.

Allele frequency attached by ClinVar (database versions not stated): gnomAD exomes below 0.00001.
gnomAD v4.1: 1 of 1,612,934 alleles (0.000062%); highest among the groups gnomAD compares: Non-Finnish European, 0.000085%; no homozygotes.

Submission:

Ambry Genetics
Classification: Uncertain significance for Inborn genetic diseases. Last evaluated: 2023-03-19. Review status: criteria provided, single submitter. Criteria: Ambry Variant Classification Scheme 2023. Collection method: clinical testing. Allele origin: germline.
Comment: The p.L2063F variant (also known as c.6187C>T), located in coding exon 42 of the LRRK2 gene, results from a C to T substitution at nucleotide position 6187. The leucine at codon 2063 is replaced by phenylalanine, an amino acid with highly similar properties. This amino acid position is conserved. In addition, this alteration is predicted to be deleterious by in silico analysis. Since supporting evidence is limited at this time, the clinical significance of this alteration remains unclear.